The following is an entry in ClinVar:

ClinVar aggregate classification (germline): Likely pathogenic (1 of 4 stars; one submission).

Conditions:
Dilated cardiomyopathy 1G (CMD1G). Identifiers: Orphanet 154, MedGen C1858763, MONDO:0011400, OMIM 604145.
Autosomal recessive limb-girdle muscular dystrophy type 2J (LGMDR10). Also called: Limb-girdle muscular dystrophy, type 2J; MUSCULAR DYSTROPHY, LIMB-GIRDLE, AUTOSOMAL RECESSIVE 10. Identifiers: Orphanet 140922, MedGen C1837342, MONDO:0012127, OMIM 608807.

Submission:

Labcorp Genetics (formerly Invitae), Labcorp
Classification: Likely pathogenic for Dilated cardiomyopathy 1G; Autosomal recessive limb-girdle muscular dystrophy type 2J. Last evaluated: 2025-12-08. Review status: criteria provided, single submitter. Criteria: Invitae Variant Classification Sherloc (09022015). Collection method: clinical testing. Allele origin: germline.
Comment: This sequence change creates a premature translational stop signal (p.Tyr22372Cysfs*9) in the TTN gene. While this is not anticipated to result in nonsense mediated decay, it is expected to create a truncated TTN protein. This variant is not present in population databases (gnomAD no frequency). This premature translational stop signal has been observed in individual(s) with dilated cardiomyopathy (internal data). ClinVar contains an entry for this variant (Variation ID: 1067559). This variant is located in the A band of TTN (PMID: 25589632). Truncating variants in this region are significantly overrepresented in patients affected with dilated cardiomyopathy (PMID: 25589632). Truncating variants in this region have also been reported in individuals affected with autosomal recessive centronuclear myopathy (PMID: 23975875). In summary, the currently available evidence indicates that the variant is pathogenic, but additional data are needed to prove that conclusively. Therefore, this variant has been classified as Likely Pathogenic.

Literature cited by the submitters: PubMed 25589632; PubMed 23975875.

NM_001267550.2(TTN):c.67115_67116del (p.Tyr22372fs)

Genes: TTN (titin; minus strand), TTN-AS1 (TTN antisense RNA 1; plus strand). Cytogenetic location: 2q31.2.
Variant type: Deletion.
Coding change: c.67115_67116del on transcript NM_001267550.2 (MANE Select); coding-DNA positions 67115 to 67116, 2 bases deleted (AT; older notation c.67115_67116delAT).
Protein change: p.Tyr22372fs; shifts the reading frame from tyrosine 22372.
Molecular consequence: frameshift variant.
Genome position (GRCh38, 1-based): chr2:178,580,171-178,580,172, AT deleted on the plus strand (AT on the coding strand, the reverse complement: TTN is on the minus strand); deleting any 2 consecutive bases within chr2:178,580,171-178,580,173 gives the same sequence; the c. name uses the placement nearest the transcript's 3' end. VCF-style (leftmost placement, unchanged base first): chr2-178580170-CAT-C. GRCh37 (hg19) VCF-style: chr2-179444897-CAT-C.
Other names: c.62192_62193del, p.Tyr20731fs (NM_001256850.1); c.39920_39921del, p.Tyr13307fs (NM_003319.4); c.59411_59412del, p.Tyr19804fs (NM_133378.4); c.40295_40296del, p.Tyr13432fs (NM_133432.3); c.40496_40497del, p.Tyr13499fs (NM_133437.4); short protein forms Y13307fs, Y13432fs, Y13499fs, Y19804fs, Y20731fs, Y22372fs.
Identifiers: ClinVar variation 1067559 (VCV001067559.9), dbSNP rs2154176111, ClinGen allele CA2499215389.